The following is an entry in ClinVar:

NM_006005.3(WFS1):c.406C>T (p.Gln136Ter)

Gene: WFS1 (wolframin ER transmembrane glycoprotein; plus strand). Cytogenetic location: 4p16.1.
Variant type: single nucleotide variant.
Coding change: c.406C>T on transcript NM_006005.3 (MANE Select); coding-DNA position 406, C replaced by T.
Protein change: p.Gln136Ter; replaces glutamine 136 with a stop codon.
Molecular consequence: nonsense.
Genome position (GRCh38, 1-based): chr4:6,289,077, C>T. VCF-style: chr4-6289077-C-T. GRCh37 (hg19) VCF-style: chr4-6290804-C-T.
Other names: c.406C>T, p.Gln136Ter (NM_001145853.1); short protein forms Q136*.
Identifiers: ClinVar variation 3720565 (VCV003720565.3).

ClinVar aggregate classification (germline): Pathogenic/Likely pathogenic. Review status: criteria provided, multiple submitters, no conflicts (2 of 4 stars). 2 submissions from 2 submitters: Pathogenic (1); Likely pathogenic (1). Last evaluated 2025-02-14.

Conditions:
WFS1-related disorder. Identifiers: MedGen CN379391, MONDO:0700293.

Submissions (2):

Labcorp Genetics (formerly Invitae), Labcorp
Classification: Pathogenic. Last evaluated: 2025-02-14. Review status: criteria provided, single submitter. Criteria: Invitae Variant Classification Sherloc (09022015). Collection method: clinical testing. Allele origin: germline.
Comment: This sequence change creates a premature translational stop signal (p.Gln136*) in the WFS1 gene. It is expected to result in an absent or disrupted protein product. Loss-of-function variants in WFS1 are known to be pathogenic (PMID: 12955714). This variant is not present in population databases (gnomAD no frequency). This premature translational stop signal has been observed in individual(s) with autosomal recessive Wolfram syndrome (PMID: 10521293). For these reasons, this variant has been classified as Pathogenic.

Blueprint Genetics
Classification: Likely pathogenic for WFS1-related disorders. Last evaluated: 2019-09-13. Review status: criteria provided, single submitter. Criteria: ACMG Guidelines, 2015. Collection method: clinical testing. Allele origin: germline. Affected: yes. Observed: 1 variant allele.

Literature cited by the submitters: PubMed 12955714 (cited by Labcorp Genetics (formerly Invitae), Labcorp); PubMed 10521293 (cited by Labcorp Genetics (formerly Invitae), Labcorp).